The following is an entry in ClinVar:

NM_003791.4(MBTPS1):c.275A>G (p.Asn92Ser)

Gene: MBTPS1 (membrane bound transcription factor peptidase, site 1; minus strand). Cytogenetic location: 16q23.3.
Variant type: single nucleotide variant.
Coding change: c.275A>G on transcript NM_003791.4 (MANE Select); coding-DNA position 275, A replaced by G.
Protein change: p.Asn92Ser; replaces asparagine 92 with serine.
Molecular consequence: missense variant.
Genome position (GRCh38, 1-based): chr16:84,099,199, T>C on the plus strand (A>G on the coding strand, the complement: MBTPS1 is on the minus strand). VCF-style: chr16-84099199-T-C. GRCh37 (hg19) VCF-style: chr16-84132804-T-C.
Other names: short protein forms N92S.
Identifiers: ClinVar variation 3015375 (VCV003015375.2), dbSNP rs778509846, ClinGen allele CA8201833.
Genomic context (GRCh38, chr16:84,099,199, plus strand): 5'-GCTTTCTGTTTTTCTTTTATCTGAATCACCTCAAAATCACTAGGGTAGTCACTGGATGGA[T>C]TGTTTCGAGGTATAATTCTCCAATTGTCTACTTCACTGCTCTTCAGGGCACTTGAAATAA-3'
Protein context (NP_003782.1, residues 82-102): VDNWRIIPRN[Asn92Ser]PSSDYPSDFE

ClinVar aggregate classification (germline): Uncertain significance (1 of 4 stars; one submission).

Allele frequency attached by ClinVar (database versions not stated): TOPMed 0.00001; gnomAD 0.00004.
gnomAD v4.1: 15 of 1,614,196 alleles (0.00093%); highest among the groups gnomAD compares: African/African-American, 0.012%; no homozygotes.

Submission:

Labcorp Genetics (formerly Invitae), Labcorp
Classification: Uncertain significance. Last evaluated: 2023-10-13. Review status: criteria provided, single submitter. Criteria: Invitae Variant Classification Sherloc (09022015). Collection method: clinical testing. Allele origin: germline.
Comment: This sequence change replaces asparagine, which is neutral and polar, with serine, which is neutral and polar, at codon 92 of the MBTPS1 protein (p.Asn92Ser). This variant is present in population databases (rs778509846, gnomAD 0.006%). This variant has not been reported in the literature in individuals affected with MBTPS1-related conditions. An algorithm developed to predict the effect of missense changes on protein structure and function (PolyPhen-2) suggests that this variant is likely to be disruptive. In summary, the available evidence is currently insufficient to determine the role of this variant in disease. Therefore, it has been classified as a Variant of Uncertain Significance.